The following is an entry in ClinVar:

NM_001193313.2(SUGCT):c.92C>T (p.Pro31Leu)

Gene: SUGCT (succinyl-CoA:glutarate-CoA transferase; plus strand). Cytogenetic location: 7p14.1.
Variant type: single nucleotide variant.
Coding change: c.92C>T on transcript NM_001193313.2 (MANE Select); coding-DNA position 92, C replaced by T.
Protein change: p.Pro31Leu; replaces proline 31 with leucine.
Molecular consequence: missense variant.
Genome position (GRCh38, 1-based): chr7:40,135,112, C>T. VCF-style: chr7-40135112-C-T. GRCh37 (hg19) VCF-style: chr7-40174711-C-T.
Other names: p.Pro38Leu; c.92C>T, p.Pro31Leu (NM_001193311.2, NM_001193312.2, NM_024728.3); c.113C>T (NM_024728.2); short protein forms P31L.
Identifiers: ClinVar variation 1539031 (VCV001539031.11), dbSNP rs370031397, ClinGen allele CA4229308.
Genomic context (GRCh38, chr7:40,135,112, plus strand): 5'-TGCGCAGAACCTGCCTCTTCTCCGGCCGGGGCGGCGGGAGGGGGCTGTGGACTGGCCGCC[C>T]GCAGTCAGGTACCCTCCGAGATTCGGTCTGGGTGGCTAAAGGGATCCCTGCCCCAGCTTG-3'
Protein context (NP_001180242.2, residues 21-41): GGGRGLWTGR[Pro31Leu]QSDMNNIKPL

ClinVar aggregate classification (germline): Conflicting classifications of pathogenicity. Review status: criteria provided, conflicting classifications (1 of 4 stars). 4 submissions from 4 submitters: Uncertain significance (2); Likely benign (2). Last evaluated 2025-11-01.

Allele frequency attached by ClinVar (database versions not stated): gnomAD 0.00086 and 0.00095; TOPMed 0.00114; 1000 Genomes Project 30x 0.00016; ESP Exome Variant Server 0.00043.
gnomAD v4.1: 254 of 1,554,704 alleles (0.016%); highest among the groups gnomAD compares: African/African-American, 0.29%; 1 homozygote.

Submissions (4):

Labcorp Genetics (formerly Invitae), Labcorp
Classification: Likely benign. Last evaluated: 2025-11-01. Review status: criteria provided, single submitter. Criteria: Invitae Variant Classification Sherloc (09022015). Collection method: clinical testing. Allele origin: germline.

Mayo Clinic Laboratories, Mayo Clinic
Classification: Uncertain significance. Last evaluated: 2025-08-21. Review status: criteria provided, single submitter. Criteria: ACMG Guidelines, 2015. Collection method: clinical testing. Allele origin: germline. Observed: 1 variant allele.
Comment: BP4_moderate

Ambry Genetics
Classification: Uncertain significance. Last evaluated: 2021-09-21. Review status: criteria provided, single submitter. Criteria: Ambry Variant Classification Scheme 2023. Collection method: clinical testing. Allele origin: germline.

Breakthrough Genomics
Classification: Likely benign. Review status: criteria provided, single submitter. Criteria: ACMG Guidelines, 2015. Collection method: not provided. Allele origin: germline. Inheritance: Autosomal recessive inheritance. Affected: yes.